The following is an entry in ClinVar:

ClinVar aggregate classification (germline): Uncertain significance. Review status: criteria provided, multiple submitters, no conflicts (2 of 4 stars). 2 submissions from 2 submitters: Uncertain significance (2). Last evaluated 2025-08-23.

Conditions:
Inborn genetic diseases. Identifiers: MedGen C0950123, MeSH D030342.

Allele frequency attached by ClinVar (database versions not stated): TOPMed 0.00001; ExAC 0.00002.
gnomAD v4.1: 35 of 1,614,272 alleles (0.0022%); highest among the groups gnomAD compares: Non-Finnish European, 0.003%; no homozygotes.

Submissions (2):

Ambry Genetics
Classification: Uncertain significance for Inborn genetic diseases. Last evaluated: 2025-08-23. Review status: criteria provided, single submitter. Criteria: Ambry Variant Classification Scheme 2023. Collection method: clinical testing. Allele origin: germline.

Labcorp Genetics (formerly Invitae), Labcorp
Classification: Uncertain significance. Last evaluated: 2025-04-17. Review status: criteria provided, single submitter. Criteria: Invitae Variant Classification Sherloc (09022015). Collection method: clinical testing. Allele origin: germline.
Comment: This sequence change replaces arginine, which is basic and polar, with cysteine, which is neutral and slightly polar, at codon 412 of the CYP11B1 protein (p.Arg412Cys). This variant is present in population databases (rs754240896, gnomAD 0.004%). This variant has not been reported in the literature in individuals affected with CYP11B1-related conditions. ClinVar contains an entry for this variant (Variation ID: 2320023). Invitae Evidence Modeling of protein sequence and biophysical properties (such as structural, functional, and spatial information, amino acid conservation, physicochemical variation, residue mobility, and thermodynamic stability) indicates that this missense variant is expected to disrupt CYP11B1 protein function with a positive predictive value of 95%. In summary, the available evidence is currently insufficient to determine the role of this variant in disease. Therefore, it has been classified as a Variant of Uncertain Significance.

NM_000497.4(CYP11B1):c.1234C>T (p.Arg412Cys)

Genes: CYP11B1 (cytochrome P450 family 11 subfamily B member 1; minus strand), LOC106799833 (CYP11B1 recombination region; plus strand). Cytogenetic location: 8q24.3.
Variant type: single nucleotide variant.
Coding change: c.1234C>T on transcript NM_000497.4 (MANE Select); coding-DNA position 1234, C replaced by T.
Protein change: p.Arg412Cys; replaces arginine 412 with cysteine.
Molecular consequence: missense variant. On other transcripts: intron variant (1).
Genome position (GRCh38, 1-based): chr8:142,875,121, G>A on the plus strand (C>T on the coding strand, the complement: CYP11B1 is on the minus strand). VCF-style: chr8-142875121-G-A. GRCh37 (hg19) VCF-style: chr8-143956537-G-A.
Other names: c.1200+113C>T (NM_001026213.1); short protein forms R412C.
Identifiers: ClinVar variation 2320023 (VCV002320023.4), dbSNP rs754240896, ClinGen allele CA4905051.
Genomic context (GRCh38, chr8:142,875,121, plus strand): 5'-TGATGTCTAGCCAGCGCTGGGGGTTATAGCGCTCAGGCCTCGGGAACAAGGCGGGGTTGC[G>A]ACCCAGAGAGTAGAGGAACACGCGCACCAATGTCTGCGGACGGTGCAGAGCGGGGATCAG-3'
Protein context (NP_000488.3, residues 402-422): LVRVFLYSLG[Arg412Cys]NPALFPRPER